The following is an entry in ClinVar:

ClinVar aggregate classification (germline): Likely pathogenic (1 of 4 stars; one submission).

Conditions:
Autosomal recessive limb-girdle muscular dystrophy type 2J (LGMDR10). Also called: Limb-girdle muscular dystrophy, type 2J; MUSCULAR DYSTROPHY, LIMB-GIRDLE, AUTOSOMAL RECESSIVE 10. Identifiers: Orphanet 140922, MedGen C1837342, MONDO:0012127, OMIM 608807.
Dilated cardiomyopathy 1G (CMD1G). Identifiers: Orphanet 154, MedGen C1858763, MONDO:0011400, OMIM 604145.

Submission:

Labcorp Genetics (formerly Invitae), Labcorp
Classification: Likely pathogenic for Dilated cardiomyopathy 1G; Autosomal recessive limb-girdle muscular dystrophy type 2J. Last evaluated: 2022-03-19. Review status: criteria provided, single submitter. Criteria: Invitae Variant Classification Sherloc (09022015). Collection method: clinical testing. Allele origin: germline.
Comment: This premature translational stop signal has been observed in individual(s) with dilated cardiomyopathy (Invitae). This variant is not present in population databases (gnomAD no frequency). This sequence change creates a premature translational stop signal (p.Gly30199Trpfs*9) in the TTN gene. While this is not anticipated to result in nonsense mediated decay, it is expected to create a truncated TTN protein. In summary, the currently available evidence indicates that the variant is pathogenic, but additional data are needed to prove that conclusively. Therefore, this variant has been classified as Likely Pathogenic. This variant is located in the A band of TTN (PMID: 25589632). Truncating variants in this region are significantly overrepresented in patients affected with dilated cardiomyopathy (PMID: 25589632). Truncating variants in this region have also been reported in individuals affected with autosomal recessive centronuclear myopathy (PMID: 23975875). ClinVar contains an entry for this variant (Variation ID: 535025).

Literature cited by the submitters: PubMed 25589632; PubMed 23975875.

NM_001267550.2(TTN):c.90594dup (p.Gly30199fs)

Genes: TTN (titin; minus strand), TTN-AS1 (TTN antisense RNA 1; plus strand). Cytogenetic location: 2q31.2.
Variant type: Duplication.
Coding change: c.90594dup on transcript NM_001267550.2 (MANE Select); coding-DNA position 90594, one base duplicated (T; older notation c.90594dupT).
Protein change: p.Gly30199fs; shifts the reading frame from glycine 30199.
Molecular consequence: frameshift variant.
Genome position (GRCh38, 1-based): chr2:178,552,306, A duplicated on the plus strand (T on the coding strand, the reverse complement: TTN is on the minus strand). VCF-style (leftmost placement, unchanged base first): chr2-178552305-C-CA. GRCh37 (hg19) VCF-style: chr2-179417032-C-CA.
Other names: c.85671dup, p.Gly28558fs (NM_001256850.1); c.63399dup, p.Gly21134fs (NM_003319.4); c.82890dup, p.Gly27631fs (NM_133378.4); c.63774dup, p.Gly21259fs (NM_133432.3); c.90594dupT (NM_001267550.2); c.63975dup, p.Gly21326fs (NM_133437.4); short protein forms G30199fs, G27631fs, G21134fs, G21259fs, G21326fs, G28558fs.
Identifiers: ClinVar variation 535025 (VCV000535025.9), dbSNP rs1553539686, ClinGen allele CA658795970.